The following is an entry in ClinVar:

NM_004304.5(ALK):c.2417G>A (p.Arg806His)

Gene: ALK (ALK receptor tyrosine kinase; minus strand). Cytogenetic location: 2p23.2.
Variant type: single nucleotide variant.
Coding change: c.2417G>A on transcript NM_004304.5 (MANE Select); coding-DNA position 2417, G replaced by A.
Protein change: p.Arg806His; replaces arginine 806 with histidine.
Molecular consequence: missense variant.
Genome position (GRCh38, 1-based): chr2:29,233,635, C>T on the plus strand (G>A on the coding strand, the complement: ALK is on the minus strand). VCF-style: chr2-29233635-C-T. GRCh37 (hg19) VCF-style: chr2-29456501-C-T.
Other names: short protein forms R806H.
Identifiers: ClinVar variation 470792 (VCV000470792.14), dbSNP rs761568836, ClinGen allele CA1594319.
Genomic context (GRCh38, chr2:29,233,635, plus strand): 5'-TAGGTGGCTCCACCCCCTCCTCCTCCGCCTCCTGCCCACTCATGCACGCTTCTGTTCACA[C>T]GGATTTCTTCTTCTATCACATTGTTCTCTCCAATGCAGACTTTCTGGATTAACTGGTTTG-3'
Protein context (NP_004295.2, residues 796-816): GENNVIEEEI[Arg806His]VNRSVHEWAG

ClinVar aggregate classification (germline): Conflicting classifications of pathogenicity. Review status: criteria provided, conflicting classifications (1 of 4 stars). 5 submissions from 5 submitters: Uncertain significance (4); Benign (1). Last evaluated 2026-01-18.

Conditions:
Hereditary cancer-predisposing syndrome. Also called: Hereditary neoplastic syndrome; Neoplastic Syndromes, Hereditary; Tumor predisposition; Hereditary Cancer Syndrome. Identifiers: Orphanet 140162, MedGen C0027672, MeSH D009386, MONDO:0015356.
Neuroblastoma, susceptibility to, 3. Also called: ALK-Related Neuroblastic Tumor Susceptibility. Identifiers: Orphanet 635, MedGen C2751681, MONDO:0013083, OMIM 613014.

Allele frequency attached by ClinVar (database versions not stated): gnomAD 0.00004; TOPMed 0.00004.
gnomAD v4.1: 28 of 1,614,102 alleles (0.0017%); highest among the groups gnomAD compares: Admixed American, 0.017%; no homozygotes.

Submissions (5):

Labcorp Genetics (formerly Invitae), Labcorp
Classification: Uncertain significance for Neuroblastoma, susceptibility to, 3. Last evaluated: 2026-01-18. Review status: criteria provided, single submitter. Criteria: Invitae Variant Classification Sherloc (09022015). Collection method: clinical testing. Allele origin: germline.
Comment: This sequence change replaces arginine, which is basic and polar, with histidine, which is basic and polar, at codon 806 of the ALK protein (p.Arg806His). This variant is present in population databases (rs761568836, gnomAD 0.03%). This variant has not been reported in the literature in individuals affected with ALK-related conditions. ClinVar contains an entry for this variant (Variation ID: 470792). An algorithm developed to predict the effect of missense changes on protein structure and function (PolyPhen-2) suggests that this variant is likely to be disruptive. In summary, the available evidence is currently insufficient to determine the role of this variant in disease. Therefore, it has been classified as a Variant of Uncertain Significance.

Ambry Genetics
Classification: Benign for Hereditary cancer-predisposing syndrome. Last evaluated: 2024-06-25. Review status: criteria provided, single submitter. Criteria: Ambry Variant Classification Scheme 2023. Collection method: clinical testing. Allele origin: germline.

Baylor Genetics
Classification: Uncertain significance for Neuroblastoma, susceptibility to, 3. Last evaluated: 2023-11-29. Review status: criteria provided, single submitter. Criteria: ACMG Guidelines, 2015. Collection method: clinical testing. Allele origin: unknown.

GeneDx
Classification: Uncertain significance. Last evaluated: 2023-08-09. Review status: criteria provided, single submitter. Criteria: GeneDx Variant Classification Process June 2021. Collection method: clinical testing. Allele origin: germline. Affected: yes.
Comment: In silico analysis supports that this missense variant does not alter protein structure/function; Observed in a patient with thyroid cancer (PMID: 29684080); This variant is associated with the following publications: (PMID: 29684080, 32099073)

Sema4
Classification: Uncertain significance for Hereditary cancer-predisposing syndrome. Last evaluated: 2021-11-25. Review status: criteria provided, single submitter. Criteria: Sema4 Curation Guidelines. Collection method: curation. Allele origin: germline.
Comment: The ALK c.2417G>A (p.R806H) variant has been reported in heterozygosity in at least 1 individual with thyroid carcinoma (PMID: 29684080). It was observed in 10/34592 chromosomes in the Latino/Admixed American subpopulation in the large and broad cohorts of the Genome Aggregation Database (PMID: 32461654). This variant has been reported in ClinVar (Variation ID: 470792). Functional studies have not been performed, and in silico predictions of the variant's effect on protein function are inconclusive. The evidence is insufficient to meet ACMG/AMP criteria for classifying the variant as benign or pathogenic. Thus, the clinical significance of this variant is currently uncertain.

Literature cited by the submitters: PubMed 29684080 (cited by Sema4).